The following is an entry in ClinVar:

NM_004268.5(MED17):c.403C>T (p.Leu135Phe)

Gene: MED17 (mediator complex subunit 17; plus strand). Cytogenetic location: 11q21.
Variant type: single nucleotide variant.
Coding change: c.403C>T on transcript NM_004268.5 (MANE Select); coding-DNA position 403, C replaced by T.
Protein change: p.Leu135Phe; replaces leucine 135 with phenylalanine.
Molecular consequence: missense variant.
Genome position (GRCh38, 1-based): chr11:93,788,153, C>T. VCF-style: chr11-93788153-C-T. GRCh37 (hg19) VCF-style: chr11-93521319-C-T.
Other names: short protein forms L135F.
Identifiers: ClinVar variation 2157631 (VCV002157631.2), dbSNP rs1014500973, ClinGen allele CA226522621.
Genomic context (GRCh38, chr11:93,788,153, plus strand): 5'-GTTCTCAGTATTGTTAGGGATAAAAAATTTATGACTCTTGATCCTGTCTCTCAGGATGCA[C>T]TTCCTCCAAAACAGGTATTTGTGGACTTTAATTGAATAATAAAATTTTATTTATTAAATC-3'
Protein context (NP_004259.3, residues 125-145): MTLDPVSQDA[Leu135Phe]PPKQNPQTLQ

ClinVar aggregate classification (germline): Uncertain significance (1 of 4 stars; one submission).

Allele frequency attached by ClinVar (database versions not stated): gnomAD 0.00002; TOPMed 0.00004.
gnomAD v4.1: 8 of 1,612,214 alleles (0.0005%); highest among the groups gnomAD compares: African/African-American, 0.004%; no homozygotes.

Submission:

Labcorp Genetics (formerly Invitae), Labcorp
Classification: Uncertain significance. Last evaluated: 2024-10-24. Review status: criteria provided, single submitter. Criteria: Invitae Variant Classification Sherloc (09022015). Collection method: clinical testing. Allele origin: germline.
Comment: This sequence change replaces leucine, which is neutral and non-polar, with phenylalanine, which is neutral and non-polar, at codon 135 of the MED17 protein (p.Leu135Phe). This variant is present in population databases (no rsID available, gnomAD 0.003%). This variant has not been reported in the literature in individuals affected with MED17-related conditions. ClinVar contains an entry for this variant (Variation ID: 2157631). Invitae Evidence Modeling of protein sequence and biophysical properties (such as structural, functional, and spatial information, amino acid conservation, physicochemical variation, residue mobility, and thermodynamic stability) indicates that this missense variant is not expected to disrupt MED17 protein function with a negative predictive value of 80%. In summary, the available evidence is currently insufficient to determine the role of this variant in disease. Therefore, it has been classified as a Variant of Uncertain Significance.